The following is an entry in ClinVar:

ClinVar aggregate classification (germline): Conflicting classifications of pathogenicity. Review status: criteria provided, conflicting classifications (1 of 4 stars). 2 submissions from 2 submitters: Uncertain significance (1); Likely benign (1). Last evaluated 2025-10-09.

Conditions:
Tumor predisposition syndrome 3 (TPDS3). Also called: Glioma susceptibility 9; LONG TELOMERE SYNDROME, POT1-RELATED; POT1 Tumor Predisposition; Melanoma, cutaneous malignant, susceptibility to, 10. Identifiers: Orphanet 618, MedGen C4014476, MONDO:0014368, OMIM 615848.
Hereditary cancer-predisposing syndrome. Also called: Neoplastic Syndromes, Hereditary; Tumor predisposition; Hereditary Cancer Syndrome; Hereditary neoplastic syndrome. Identifiers: Orphanet 140162, MedGen C0027672, MeSH D009386, MONDO:0015356.

gnomAD v4.1: 2 of 1,582,168 alleles (0.00013%); highest among the groups gnomAD compares: East Asian, 0.0045%; no homozygotes.

Submissions (2):

Labcorp Genetics (formerly Invitae), Labcorp
Classification: Uncertain significance for Tumor predisposition syndrome 3. Last evaluated: 2025-10-09. Review status: criteria provided, single submitter. Criteria: Invitae Variant Classification Sherloc (09022015). Collection method: clinical testing. Allele origin: germline.
Comment: This sequence change replaces valine, which is neutral and non-polar, with alanine, which is neutral and non-polar, at codon 536 of the POT1 protein (p.Val536Ala). This variant is present in population databases (rs761551156, gnomAD 0.02%). This variant has not been reported in the literature in individuals affected with POT1-related conditions. ClinVar contains an entry for this variant (Variation ID: 945780). Invitae Evidence Modeling of protein sequence and biophysical properties (such as structural, functional, and spatial information, amino acid conservation, physicochemical variation, residue mobility, and thermodynamic stability) indicates that this missense variant is not expected to disrupt POT1 protein function with a negative predictive value of 80%. In summary, the available evidence is currently insufficient to determine the role of this variant in disease. Therefore, it has been classified as a Variant of Uncertain Significance.

Ambry Genetics
Classification: Likely benign for Hereditary cancer-predisposing syndrome. Last evaluated: 2025-01-23. Review status: criteria provided, single submitter. Criteria: Ambry Variant Classification Scheme 2023. Collection method: clinical testing. Allele origin: germline.

NM_015450.3(POT1):c.1607T>C (p.Val536Ala)

Gene: POT1 (protection of telomeres 1; minus strand). Cytogenetic location: 7q31.33.
Variant type: single nucleotide variant.
Coding change: c.1607T>C on transcript NM_015450.3 (MANE Select); coding-DNA position 1607, T replaced by C.
Protein change: p.Val536Ala; replaces valine 536 with alanine.
Molecular consequence: missense variant. On other transcripts: non-coding transcript variant (3).
Genome position (GRCh38, 1-based): chr7:124,827,293, A>G on the plus strand (T>C on the coding strand, the complement: POT1 is on the minus strand). VCF-style: chr7-124827293-A-G. GRCh37 (hg19) VCF-style: chr7-124467347-A-G.
Other names: c.1214T>C, p.Val405Ala (NM_001042594.2); short protein forms V405A, V536A.
Identifiers: ClinVar variation 945780 (VCV000945780.11), dbSNP rs761551156, ClinGen allele CA4465033.